The following is an entry in ClinVar:

ClinVar aggregate classification (germline): Uncertain significance. Review status: criteria provided, multiple submitters, no conflicts (2 of 4 stars). 2 submissions from 2 submitters: Uncertain significance (2). Last evaluated 2023-09-10.

Conditions:
Inborn genetic diseases. Identifiers: MedGen C0950123, MeSH D030342.
Immunodeficiency, common variable, 7. Identifiers: Orphanet 1572, Orphanet 696894, MedGen C3542922, MONDO:0013862, OMIM 614699.

Allele frequency attached by ClinVar (database versions not stated): gnomAD 0.00001.
gnomAD v4.1: 4 of 1,613,812 alleles (0.00025%); highest among the groups gnomAD compares: African/African-American, 0.0027%; no homozygotes.

Submissions (2):

Labcorp Genetics (formerly Invitae), Labcorp
Classification: Uncertain significance for Immunodeficiency, common variable, 7. Last evaluated: 2023-09-10. Review status: criteria provided, single submitter. Criteria: Invitae Variant Classification Sherloc (09022015). Collection method: clinical testing. Allele origin: germline.
Comment: This sequence change replaces isoleucine, which is neutral and non-polar, with lysine, which is basic and polar, at codon 451 of the CR2 protein (p.Ile451Lys). In summary, the available evidence is currently insufficient to determine the role of this variant in disease. Therefore, it has been classified as a Variant of Uncertain Significance. An algorithm developed to predict the effect of missense changes on protein structure and function (PolyPhen-2) suggests that this variant is likely to be disruptive. ClinVar contains an entry for this variant (Variation ID: 2309533). This variant has not been reported in the literature in individuals affected with CR2-related conditions. This variant is present in population databases (no rsID available, gnomAD 0.008%).

Ambry Genetics
Classification: Uncertain significance for Inborn genetic diseases. Last evaluated: 2022-08-30. Review status: criteria provided, single submitter. Criteria: Ambry Variant Classification Scheme 2023. Collection method: clinical testing. Allele origin: germline.

NM_001006658.3(CR2):c.1352T>A (p.Ile451Lys)

Gene: CR2 (complement C3d receptor 2; plus strand). Cytogenetic location: 1q32.2.
Variant type: single nucleotide variant.
Coding change: c.1352T>A on transcript NM_001006658.3 (MANE Select); coding-DNA position 1352, T replaced by A.
Protein change: p.Ile451Lys; replaces isoleucine 451 with lysine.
Molecular consequence: missense variant.
Genome position (GRCh38, 1-based): chr1:207,470,866, T>A. VCF-style: chr1-207470866-T-A. GRCh37 (hg19) VCF-style: chr1-207644211-T-A.
Other names: c.1352T>A, p.Ile451Lys (NM_001877.5); short protein forms I451K.
Identifiers: ClinVar variation 2309533 (VCV002309533.5), dbSNP rs1303945667, ClinGen allele CA344530499.
Genomic context (GRCh38, chr1:207,470,866, plus strand): 5'-CTGGAACATCTATAAAATATAGCTGTAACCCTGGCTATGTGCTGGTGGGAGAAGAATCCA[T>A]ACAGTGTACCTCTGAGGGGGTGTGGACACCCCCTGTACCCCAATGCAAAGGTGCCAGGCC-3'
Protein context (NP_001006659.1, residues 441-461): PGYVLVGEES[Ile451Lys]QCTSEGVWTP